The following is an entry in ClinVar:

ClinVar aggregate classification (germline): Pathogenic/Likely pathogenic. Review status: criteria provided, multiple submitters, no conflicts (2 of 4 stars). 6 submissions from 6 submitters: Pathogenic (3); Likely pathogenic (3). Last evaluated 2025-08-12.

Conditions:
Autosomal recessive limb-girdle muscular dystrophy type 2C (LGMDR5). Also called: MUSCULAR DYSTROPHY, DUCHENNE-LIKE; MUSCULAR DYSTROPHY, LIMB-GIRDLE, AUTOSOMAL RECESSIVE 5. Identifiers: Orphanet 353, MedGen C0410173, MONDO:0009677, OMIM 253700. Disease mechanism: Affects gamma-sarcoglycan and also disrupts the integrity of the entire sarcoglycan complex..

gnomAD v4.1: 2 of 1,611,948 alleles (0.00012%); highest among the groups gnomAD compares: East Asian, 0.0045%; no homozygotes.

Submissions (6):

Natera, Inc.
Classification: Pathogenic for Limb-girdle muscular dystrophy type 2C. Last evaluated: 2025-08-12. Review status: criteria provided, single submitter. Criteria: Natera Variant Classification Schema (03/2026). Collection method: clinical testing. Allele origin: germline.
Comment: The c.320C>T variant in SGCG is a missense variant predicted to cause substitution of serine to leucine at amino acid 107. This variant is rare in the general population with a frequency below the threshold expected for the associated phenotype(s). This variant has been observed in one or more individuals affected with the associated recessive disease, as either homozygous or compound heterozygous with a second variant (PMID: 36992678, 39755676, 30764848, 27600705). Additionally, this variant has been observed to segregate in affected family members (PMID: 36992678). Computational prediction algorithms indicate this variant is likely to affect gene or protein function. Given the available evidence, this variant is classified as Pathogenic.

Myriad Genetics, Inc.
Classification: Likely pathogenic for Autosomal recessive limb-girdle muscular dystrophy type 2C. Last evaluated: 2025-06-18. Review status: criteria provided, single submitter. Criteria: Myriad Autosomal Dominant, Autosomal Recessive and X-Linked Classification Criteria (2023). Collection method: clinical testing. Allele origin: unknown.
Comment: NM_000231.2(SGCG):c.320C>T(S107L) is a missense variant classified as likely pathogenic in the context of gamma-sarcoglycanopathy. S107L has been observed in cases with relevant disease (PMID: 30764848, 36992678, 39755676). Relevant functional assessments of this variant are not available in the literature. S107L has been observed in referenced population frequency databases. In summary, NM_000231.2(SGCG):c.320C>T(S107L) is a missense variant that has been observed more frequently in cases with the relevant disease than in healthy populations. Please note: this variant was assessed in the context of healthy population screening.

Revvity Omics, Revvity
Classification: Pathogenic for Autosomal recessive limb-girdle muscular dystrophy type 2C. Last evaluated: 2025-04-14. Review status: criteria provided, single submitter. Criteria: ACMG Guidelines, 2015. Collection method: clinical testing. Allele origin: germline.

Labcorp Genetics (formerly Invitae), Labcorp
Classification: Pathogenic for Autosomal recessive limb-girdle muscular dystrophy type 2C. Last evaluated: 2024-02-19. Review status: criteria provided, single submitter. Criteria: Invitae Variant Classification Sherloc (09022015). Collection method: clinical testing. Allele origin: germline.
Comment: This sequence change replaces serine, which is neutral and polar, with leucine, which is neutral and non-polar, at codon 107 of the SGCG protein (p.Ser107Leu). This variant is present in population databases (rs772017929, gnomAD 0.01%). This missense change has been observed in individual(s) with limb girdle muscular dystophy (PMID: 3076484, 36992678). In at least one individual the data is consistent with being in trans (on the opposite chromosome) from a pathogenic variant. It has also been observed to segregate with disease in related individuals. Advanced modeling of protein sequence and biophysical properties (such as structural, functional, and spatial information, amino acid conservation, physicochemical variation, residue mobility, and thermodynamic stability) performed at Invitae indicates that this missense variant is expected to disrupt SGCG protein function with a positive predictive value of 80%. For these reasons, this variant has been classified as Pathogenic.

Fulgent Genetics
Classification: Likely pathogenic for Autosomal recessive limb-girdle muscular dystrophy type 2C. Last evaluated: 2024-01-31. Review status: criteria provided, single submitter. Criteria: ACMG Guidelines, 2015. Collection method: clinical testing. Allele origin: germline.

Juno Genomics, Hangzhou Juno Genomics, Inc
Classification: Likely pathogenic for Autosomal recessive limb-girdle muscular dystrophy type 2C. Review status: criteria provided, single submitter. Criteria: ACMG Guidelines, 2015. Collection method: clinical testing. Allele origin: germline. Affected: yes.
Comment: Absent from controls (or at extremely low frequency if recessive) in Genome Aggregation Database, Exome Sequencing Project, 1000 Genomes Project, or Exome Aggregation Consortium.;Multiple lines of computational evidence support a deleterious effect on the gene or gene product (conservation, evolutionary, splicing impact, etc).;For recessive disorders, detected in trans with a pathogenic variant.;Co-segregation with disease in multiple affected family members in a gene definitively known to cause the disease.

Literature cited by the submitters: PubMed 36992678 (cited by 3 submitters); PubMed 39755676 (cited by Natera, Inc. and Myriad Genetics, Inc.); PubMed 30764848 (cited by Natera, Inc. and Myriad Genetics, Inc.); PubMed 27600705 (cited by Natera, Inc.); PubMed 3076484 (cited by Labcorp Genetics (formerly Invitae), Labcorp).

NM_000231.3(SGCG):c.320C>T (p.Ser107Leu)

Gene: SGCG (sarcoglycan gamma; plus strand). Cytogenetic location: 13q12.12.
Variant type: single nucleotide variant.
Coding change: c.320C>T on transcript NM_000231.3 (MANE Select); coding-DNA position 320, C replaced by T.
Protein change: p.Ser107Leu; replaces serine 107 with leucine.
Molecular consequence: missense variant.
Genome position (GRCh38, 1-based): chr13:23,250,652, C>T. VCF-style: chr13-23250652-C-T. GRCh37 (hg19) VCF-style: chr13-23824791-C-T.
Other names: c.374C>T, p.Ser125Leu (NM_001378244.1); c.320C>T, p.Ser107Leu (NM_001378245.1, NM_001378246.1); short protein forms S107L, S125L.
Identifiers: ClinVar variation 3575786 (VCV003575786.8).
Genomic context (GRCh38, chr13:23,250,652, plus strand): 5'-CAGCACCTATTTTGCAAATTTTATAAATCTCTTTCTAGGACTCATCTCTGCTTCTACAAT[C>T]AACCCAGAATGTGACTGTAAATGCGCGCAACTCAGAAGGGGAGGTCACAGGCAGGTTAAA-3'
Protein context (NP_000222.2, residues 97-117): SRVDSSLLLQ[Ser107Leu]TQNVTVNARN